The following is an entry in ClinVar:

ClinVar aggregate classification (germline): Uncertain significance (1 of 4 stars; one submission).

Submission:

Labcorp Genetics (formerly Invitae), Labcorp
Classification: Uncertain significance. Last evaluated: 2025-10-22. Review status: criteria provided, single submitter. Criteria: Invitae Variant Classification Sherloc (09022015). Collection method: clinical testing. Allele origin: germline.
Comment: This sequence change replaces leucine, which is neutral and non-polar, with isoleucine, which is neutral and non-polar, at codon 370 of the NCSTN protein (p.Leu370Ile). This variant is not present in population databases (gnomAD no frequency). This variant has not been reported in the literature in individuals affected with NCSTN-related conditions. ClinVar contains an entry for this variant (Variation ID: 2787897). Invitae Evidence Modeling of protein sequence and biophysical properties (such as structural, functional, and spatial information, amino acid conservation, physicochemical variation, residue mobility, and thermodynamic stability) indicates that this missense variant is not expected to disrupt NCSTN protein function with a negative predictive value of 80%. In summary, the available evidence is currently insufficient to determine the role of this variant in disease. Therefore, it has been classified as a Variant of Uncertain Significance.

NM_015331.3(NCSTN):c.1108T>A (p.Leu370Ile)

Gene: NCSTN (nicastrin; plus strand). Cytogenetic location: 1q23.2.
Variant type: single nucleotide variant.
Coding change: c.1108T>A on transcript NM_015331.3 (MANE Select); coding-DNA position 1108, T replaced by A.
Protein change: p.Leu370Ile; replaces leucine 370 with isoleucine.
Molecular consequence: missense variant.
Genome position (GRCh38, 1-based): chr1:160,353,166, T>A. VCF-style: chr1-160353166-T-A. GRCh37 (hg19) VCF-style: chr1-160322956-T-A.
Other names: c.1048T>A, p.Leu350Ile (NM_001290184.2); c.694T>A, p.Leu232Ile (NM_001290186.2); c.1108T>A, p.Leu370Ile (NM_001349729.2); short protein forms L370I, L350I, L232I.
Identifiers: ClinVar variation 2787897 (VCV002787897.3), dbSNP rs1648958612, ClinGen allele CA343281005.